The following is an entry in ClinVar:

NM_001111125.3(IQSEC2):c.889C>T (p.Arg297Cys)

Gene: IQSEC2 (IQ motif and Sec7 domain ArfGEF 2; minus strand). Cytogenetic location: Xp11.22.
Variant type: single nucleotide variant.
Coding change: c.889C>T on transcript NM_001111125.3 (MANE Select); coding-DNA position 889, C replaced by T.
Protein change: p.Arg297Cys; replaces arginine 297 with cysteine.
Molecular consequence: missense variant.
Genome position (GRCh38, 1-based): chrX:53,255,910, G>A on the plus strand (C>T on the coding strand, the complement: IQSEC2 is on the minus strand). VCF-style: chrX-53255910-G-A. GRCh37 (hg19) VCF-style: chrX-53285092-G-A.
Other names: c.274C>T, p.Arg92Cys (NM_015075.2); short protein forms R297C, R92C.
Identifiers: ClinVar variation 1215884 (VCV001215884.10), dbSNP rs990189482, ClinGen allele CA329167414.

ClinVar aggregate classification (germline): Uncertain significance. Review status: criteria provided, multiple submitters, no conflicts (2 of 4 stars). 3 submissions from 3 submitters: Uncertain significance (3). Last evaluated 2023-09-22.

Conditions:
Intellectual developmental disorder, X-linked 1. Also called: Intellectual disability, X-linked 1; MENTAL RETARDATION, X-LINKED 18; MENTAL RETARDATION, X-LINKED 78; Atkin Flaitz Patil Smith syndrome. Identifiers: Orphanet 777, MedGen C2931498, MONDO:0010656, OMIM 309530.

Allele frequency attached by ClinVar (database versions not stated): gnomAD exomes below 0.00001; TOPMed 0.00001; gnomAD 0.00001.

Submissions (3):

Labcorp Genetics (formerly Invitae), Labcorp
Classification: Uncertain significance for Intellectual developmental disorder, X-linked 1. Last evaluated: 2023-09-22. Review status: criteria provided, single submitter. Criteria: Invitae Variant Classification Sherloc (09022015). Collection method: clinical testing. Allele origin: germline.
Comment: In summary, the available evidence is currently insufficient to determine the role of this variant in disease. Therefore, it has been classified as a Variant of Uncertain Significance. Advanced modeling of protein sequence and biophysical properties (such as structural, functional, and spatial information, amino acid conservation, physicochemical variation, residue mobility, and thermodynamic stability) has been performed at Invitae for this missense variant, however the output from this modeling did not meet the statistical confidence thresholds required to predict the impact of this variant on IQSEC2 protein function. ClinVar contains an entry for this variant (Variation ID: 1215884). This variant has not been reported in the literature in individuals affected with IQSEC2-related conditions. This variant is not present in population databases (gnomAD no frequency). This sequence change replaces arginine, which is basic and polar, with cysteine, which is neutral and slightly polar, at codon 297 of the IQSEC2 protein (p.Arg297Cys).

MGZ Medical Genetics Center
Classification: Uncertain significance for Intellectual developmental disorder, X-linked 1. Last evaluated: 2021-11-18. Review status: criteria provided, single submitter. Criteria: ACMG Guidelines, 2015. Collection method: clinical testing. Allele origin: germline. Affected: yes. Observed: 1 variant allele.
Comment: ACMG criteria applied: PM2_SUP, PP2, PP3

GeneDx
Classification: Uncertain significance. Last evaluated: 2019-05-09. Review status: criteria provided, single submitter. Criteria: GeneDx Variant Classification Process June 2021. Collection method: clinical testing. Allele origin: germline. Affected: yes.
Comment: In silico analysis, which includes protein predictors and evolutionary conservation, supports a deleterious effect; In-silico analysis using splicing predictors is inconclusive as to whether the variant alters gene splicing. In the absence of RNA/functional studies, the actual effect of this sequence change is unknown.; Not observed in large population cohorts (Lek et al., 2016); Has not been previously published as pathogenic or benign to our knowledge